The following is an entry in ClinVar:

ClinVar aggregate classification (germline): Uncertain significance. Review status: criteria provided, multiple submitters, no conflicts (2 of 4 stars). 3 submissions from 3 submitters: Uncertain significance (3). Last evaluated 2023-08-28.

Conditions:
Inborn genetic diseases. Identifiers: MedGen C0950123, MeSH D030342.

gnomAD v4.1: 2 of 1,612,006 alleles (0.00012%); highest among the groups gnomAD compares: Non-Finnish European, 0.00017%; no homozygotes.

Submissions (3):

Blueprint Genetics
Classification: Uncertain significance. Last evaluated: 2023-08-28. Review status: criteria provided, single submitter. Criteria: ACMG Guidelines, 2015. Collection method: clinical testing. Allele origin: germline.

Centre of Medical Genetics, University Hospital Muenster
Classification: Uncertain significance. Last evaluated: 2022-11-29. Review status: criteria provided, single submitter. Criteria: ACMG Guidelines, 2015. Collection method: clinical testing. Allele origin: unknown. Affected: yes. Observed: 1 variant allele, 1 heterozygote.
Comment: ACMG categories: PM1,PM2

Ambry Genetics
Classification: Uncertain significance for Inborn genetic diseases. Last evaluated: 2022-10-04. Review status: criteria provided, single submitter. Criteria: Ambry Variant Classification Scheme 2023. Collection method: clinical testing. Allele origin: germline.

NM_000836.4(GRIN2D):c.2393G>C (p.Arg798Pro)

Gene: GRIN2D (glutamate ionotropic receptor NMDA type subunit 2D; plus strand). Cytogenetic location: 19q13.33.
Variant type: single nucleotide variant.
Coding change: c.2393G>C on transcript NM_000836.4 (MANE Select); coding-DNA position 2393, G replaced by C.
Protein change: p.Arg798Pro; replaces arginine 798 with proline.
Molecular consequence: missense variant.
Genome position (GRCh38, 1-based): chr19:48,441,909, G>C. VCF-style: chr19-48441909-G-C. GRCh37 (hg19) VCF-style: chr19-48945166-G-C.
Other names: short protein forms R798P.
Identifiers: ClinVar variation 2316350 (VCV002316350.5), dbSNP rs371691127, ClinGen allele CA406669896.